The following is an entry in ClinVar:

ClinVar aggregate classification (germline): Uncertain significance (1 of 4 stars; one submission).

Submission:

Labcorp Genetics (formerly Invitae), Labcorp
Classification: Uncertain significance. Last evaluated: 2025-01-11. Review status: criteria provided, single submitter. Criteria: Invitae Variant Classification Sherloc (09022015). Collection method: clinical testing. Allele origin: germline.
Comment: This sequence change replaces leucine, which is neutral and non-polar, with valine, which is neutral and non-polar, at codon 336 of the RHBDF2 protein (p.Leu336Val). This variant is not present in population databases (gnomAD no frequency). This variant has not been reported in the literature in individuals affected with RHBDF2-related conditions. An algorithm developed to predict the effect of missense changes on protein structure and function (PolyPhen-2) suggests that this variant is likely to be tolerated. In summary, the available evidence is currently insufficient to determine the role of this variant in disease. Therefore, it has been classified as a Variant of Uncertain Significance.

NM_001005498.4(RHBDF2):c.919C>G (p.Leu307Val)

Gene: RHBDF2 (rhomboid 5 homolog 2; minus strand). Cytogenetic location: 17q25.1.
Variant type: single nucleotide variant.
Coding change: c.919C>G on transcript NM_001005498.4 (MANE Select); coding-DNA position 919, C replaced by G.
Protein change: p.Leu307Val; replaces leucine 307 with valine.
Molecular consequence: missense variant. On other transcripts: non-coding transcript variant (3).
Genome position (GRCh38, 1-based): chr17:76,477,181, G>C on the plus strand (C>G on the coding strand, the complement: RHBDF2 is on the minus strand). VCF-style: chr17-76477181-G-C. GRCh37 (hg19) VCF-style: chr17-74473263-G-C.
Other names: c.919C>G, p.Leu307Val (NM_001376228.1, NM_001376229.1, NM_001376230.1); c.1006C>G, p.Leu336Val (NM_024599.5); short protein forms L307V, L336V.
Identifiers: ClinVar variation 3688275 (VCV003688275.2).
Genomic context (GRCh38, chr17:76,477,181, plus strand): 5'-CTGGGGATGCCCCCAGGCTGGTGGCTGGCCTGGAGGAGGGACTCTGCCCCAGCACTCACA[G>C]AGGGATTTGCACCCCATCGGGGGAGACAGGGGAGGCTGAGTGTGGGATCCCTCGGAAGTA-3'
Protein context (NP_001005498.2, residues 297-317): PVSPDGVQIP[Leu307Val]KEYGRAPVPG